The following is an entry in ClinVar:

NM_000517.6(HBA2):c.206_213del (p.Asn69fs)

Genes: HBA2 (hemoglobin subunit alpha 2; plus strand), LOC106804612 (hemoglobin subunit alpha 2 recombination region; plus strand). Cytogenetic location: 16p13.3.
Variant type: Deletion.
Coding change: c.206_213del on transcript NM_000517.6 (MANE Select); coding-DNA positions 206 to 213, 8 bases deleted (ACGCCGTG; older notation c.206_213delACGCCGTG).
Protein change: p.Asn69fs; shifts the reading frame from asparagine 69.
Molecular consequence: frameshift variant.
Genome position (GRCh38, 1-based): chr16:173,235-173,242, ACGCCGTG deleted. VCF-style (leftmost placement, unchanged base first): chr16-173234-AACGCCGTG-A. GRCh37 (hg19) VCF-style: chr16-223233-AACGCCGTG-A.
Other names: short protein forms N69fs.
Identifiers: ClinVar variation 4818644 (VCV004818644.1).

ClinVar aggregate classification (germline): Likely pathogenic (1 of 4 stars; one submission).

Conditions:
alpha Thalassemia. Also called: Alpha thalassemia spectrum. Identifiers: Orphanet 846, MedGen C0002312, MONDO:0011399, OMIM 604131.

Submission:

Natera, Inc.
Classification: Likely pathogenic for Alpha thalassemia. Last evaluated: 2025-12-28. Review status: criteria provided, single submitter. Criteria: Natera Variant Classification Schema (03/2026). Collection method: clinical testing. Allele origin: germline.
Comment: The c.206_213del variant in HBA2 is a frameshift variant predicted to elongate the protein beyond the termination codon. This variant is expected to result in nonsense mediated decay, truncation, or a dysfunctional protein product. This variant is rare in the general population with a frequency below the threshold expected for the associated phenotype(s). Given the available evidence, this variant is classified as Likely Pathogenic.